The following is an entry in ClinVar:

ClinVar aggregate classification (germline): Uncertain significance (1 of 4 stars; one submission).

Conditions:
Developmental and epileptic encephalopathy, 25 (DEE25). Also called: Developmental and epileptic encephalopathy 25, with amelogenesis imperfecta; Epileptic encephalopathy, early infantile, 25, with amelogenesis imperfecta; Epileptic encephalopathy, early infantile, 25. Identifiers: Orphanet 442835, MedGen C4014621, MONDO:0014392, OMIM 615905.

gnomAD v4.1: 1 of 1,614,042 alleles (0.000062%); highest among the groups gnomAD compares: South Asian, 0.0011%; no homozygotes.

Submission:

Labcorp Genetics (formerly Invitae), Labcorp
Classification: Uncertain significance for Developmental and epileptic encephalopathy, 25. Last evaluated: 2025-09-23. Review status: criteria provided, single submitter. Criteria: Invitae Variant Classification Sherloc (09022015). Collection method: clinical testing. Allele origin: germline.
Comment: This sequence change replaces phenylalanine, which is neutral and non-polar, with leucine, which is neutral and non-polar, at codon 14 of the SLC13A5 protein (p.Phe14Leu). This variant is not present in population databases (gnomAD no frequency). This variant has not been reported in the literature in individuals affected with SLC13A5-related conditions. An algorithm developed to predict the effect of missense changes on protein structure and function (PolyPhen-2) suggests that this variant is likely to be disruptive. In summary, the available evidence is currently insufficient to determine the role of this variant in disease. Therefore, it has been classified as a Variant of Uncertain Significance.

NM_177550.5(SLC13A5):c.42C>G (p.Phe14Leu)

Gene: SLC13A5 (solute carrier family 13 member 5; minus strand). Cytogenetic location: 17p13.1.
Variant type: single nucleotide variant.
Coding change: c.42C>G on transcript NM_177550.5 (MANE Select); coding-DNA position 42, C replaced by G.
Protein change: p.Phe14Leu; replaces phenylalanine 14 with leucine.
Molecular consequence: missense variant.
Genome position (GRCh38, 1-based): chr17:6,713,292, G>C on the plus strand (C>G on the coding strand, the complement: SLC13A5 is on the minus strand). VCF-style: chr17-6713292-G-C. GRCh37 (hg19) VCF-style: chr17-6616611-G-C.
Other names: c.42C>G, p.Phe14Leu (NM_001143838.3, NM_001284509.2, NM_001284510.2); short protein forms F14L.
Identifiers: ClinVar variation 4727720 (VCV004727720.1).